The following is an entry in ClinVar:

NM_022124.6(CDH23):c.8710G>C (p.Val2904Leu)

Gene: CDH23 (cadherin related 23; plus strand). Cytogenetic location: 10q22.1.
Variant type: single nucleotide variant.
Coding change: c.8710G>C on transcript NM_022124.6 (MANE Select); coding-DNA position 8710, G replaced by C.
Protein change: p.Val2904Leu; replaces valine 2904 with leucine.
Molecular consequence: missense variant.
Genome position (GRCh38, 1-based): chr10:71,807,995, G>C. VCF-style: chr10-71807995-G-C. GRCh37 (hg19) VCF-style: chr10-73567752-G-C.
Other names: c.1990G>C, p.Val664Leu (NM_001171933.1, NM_001171934.1); c.8710G>C (NM_022124.5); short protein forms V2904L, V664L.
Identifiers: ClinVar variation 1923209 (VCV001923209.3), dbSNP rs746121407, ClinGen allele CA5546714.

ClinVar aggregate classification (germline): Uncertain significance. Review status: criteria provided, multiple submitters, no conflicts (2 of 4 stars). 2 submissions from 2 submitters: Uncertain significance (2). Last evaluated 2025-08-05.

Conditions:
Inborn genetic diseases. Identifiers: MedGen C0950123, MeSH D030342.

gnomAD v4.1: 52 of 1,588,472 alleles (0.0033%); highest among the groups gnomAD compares: Non-Finnish European, 0.0045%; no homozygotes.

Submissions (2):

Ambry Genetics
Classification: Uncertain significance for Inborn genetic diseases. Last evaluated: 2025-08-05. Review status: criteria provided, single submitter. Criteria: Ambry Variant Classification Scheme 2023. Collection method: clinical testing. Allele origin: germline.

Labcorp Genetics (formerly Invitae), Labcorp
Classification: Uncertain significance. Last evaluated: 2022-10-04. Review status: criteria provided, single submitter. Criteria: Invitae Variant Classification Sherloc (09022015). Collection method: clinical testing. Allele origin: germline.
Comment: This sequence change replaces valine, which is neutral and non-polar, with leucine, which is neutral and non-polar, at codon 2904 of the CDH23 protein (p.Val2904Leu). This variant is present in population databases (rs746121407, gnomAD 0.003%). This variant has not been reported in the literature in individuals affected with CDH23-related conditions. Advanced modeling of protein sequence and biophysical properties (such as structural, functional, and spatial information, amino acid conservation, physicochemical variation, residue mobility, and thermodynamic stability) performed at Invitae indicates that this missense variant is not expected to disrupt CDH23 protein function. Algorithms developed to predict the effect of sequence changes on RNA splicing suggest that this variant may disrupt the consensus splice site. In summary, the available evidence is currently insufficient to determine the role of this variant in disease. Therefore, it has been classified as a Variant of Uncertain Significance.